The following is an entry in ClinVar:

ClinVar aggregate classification (germline): Uncertain significance (1 of 4 stars; one submission).

Conditions:
Brachyolmia-amelogenesis imperfecta syndrome. Also called: PLATYSPONDYLY WITH AMELOGENESIS IMPERFECTA; Tooth agenesis, selective, 6; Dental anomalies and short stature. Identifiers: Orphanet 2899, MedGen C1832594, MONDO:0011018, OMIM 601216. Disease mechanism: loss of function.

Allele frequency attached by ClinVar (database versions not stated): gnomAD exomes below 0.00001.
gnomAD v4.1: 4 of 1,613,208 alleles (0.00025%); highest among the groups gnomAD compares: South Asian, 0.0011%; no homozygotes.

Submission:

Labcorp Genetics (formerly Invitae), Labcorp
Classification: Uncertain significance for Brachyolmia-amelogenesis imperfecta syndrome. Last evaluated: 2023-06-24. Review status: criteria provided, single submitter. Criteria: Invitae Variant Classification Sherloc (09022015). Collection method: clinical testing. Allele origin: germline.
Comment: In summary, the available evidence is currently insufficient to determine the role of this variant in disease. Therefore, it has been classified as a Variant of Uncertain Significance. Algorithms developed to predict the effect of missense changes on protein structure and function output the following: SIFT: "Not Available"; PolyPhen-2: "Benign"; Align-GVGD: "Not Available". The valine amino acid residue is found in multiple mammalian species, which suggests that this missense change does not adversely affect protein function. This variant has not been reported in the literature in individuals affected with LTBP3-related conditions. This variant is not present in population databases (gnomAD no frequency). This sequence change replaces isoleucine, which is neutral and non-polar, with valine, which is neutral and non-polar, at codon 983 of the LTBP3 protein (p.Ile983Val).

NM_001130144.3(LTBP3):c.2947A>G (p.Ile983Val)

Genes: LTBP3 (latent transforming growth factor beta binding protein 3; minus strand), LOC121832793 (Sharpr-MPRA regulatory region 4001; plus strand). Cytogenetic location: 11q13.1.
Variant type: single nucleotide variant.
Coding change: c.2947A>G on transcript NM_001130144.3 (MANE Select); coding-DNA position 2947, A replaced by G.
Protein change: p.Ile983Val; replaces isoleucine 983 with valine.
Molecular consequence: missense variant.
Genome position (GRCh38, 1-based): chr11:65,540,901, T>C on the plus strand (A>G on the coding strand, the complement: LTBP3 is on the minus strand). VCF-style: chr11-65540901-T-C. GRCh37 (hg19) VCF-style: chr11-65308372-T-C.
Other names: c.2596A>G, p.Ile866Val (NM_001164266.1); c.2947A>G, p.Ile983Val (NM_021070.4); short protein forms I866V, I983V.
Identifiers: ClinVar variation 2727232 (VCV002727232.3), dbSNP rs2496128584, ClinGen allele CA381268019.